The following is an entry in ClinVar:

ClinVar aggregate classification (germline): Uncertain significance. Review status: criteria provided, multiple submitters, no conflicts (2 of 4 stars). 3 submissions from 3 submitters: Uncertain significance (3). Last evaluated 2023-10-13.

Conditions:
Juvenile myelomonocytic leukemia (JMML). Also called: LEUKEMIA, JUVENILE MYELOMONOCYTIC, SOMATIC. Identifiers: Orphanet 86834, MedGen C0349639, MONDO:0011908, OMIM 607785, HP:0012209.
Hereditary cancer-predisposing syndrome. Also called: Neoplastic Syndromes, Hereditary; Hereditary Cancer Syndrome; Hereditary neoplastic syndrome; Tumor predisposition. Identifiers: Orphanet 140162, MedGen C0027672, MeSH D009386, MONDO:0015356.
Cardiovascular phenotype. Identifiers: MedGen CN230736.
Neurofibromatosis, type 1 (NF1). Also called: Neurofibromatosis, type I; Peripheral type neurofibromatosis; VON RECKLINGHAUSEN DISEASE; NEUROFIBROMATOSIS, TYPE I, SOMATIC. Identifiers: Orphanet 636, MedGen C0027831, MONDO:0018975, OMIM 162200. Disease mechanism: loss of function.

Allele frequency attached by ClinVar (database versions not stated): gnomAD exomes below 0.00001.
gnomAD v4.1: 4 of 1,613,842 alleles (0.00025%); highest among the groups gnomAD compares: Non-Finnish European, 0.00034%; no homozygotes.

Submissions (3):

Baylor Genetics
Classification: Uncertain significance for Juvenile myelomonocytic leukemia. Last evaluated: 2023-10-13. Review status: criteria provided, single submitter. Criteria: ACMG Guidelines, 2015. Collection method: clinical testing. Allele origin: unknown.

Labcorp Genetics (formerly Invitae), Labcorp
Classification: Uncertain significance for Neurofibromatosis, type 1. Last evaluated: 2022-10-27. Review status: criteria provided, single submitter. Criteria: Invitae Variant Classification Sherloc (09022015). Collection method: clinical testing. Allele origin: germline.
Comment: In summary, the available evidence is currently insufficient to determine the role of this variant in disease. Therefore, it has been classified as a Variant of Uncertain Significance. Advanced modeling of protein sequence and biophysical properties (such as structural, functional, and spatial information, amino acid conservation, physicochemical variation, residue mobility, and thermodynamic stability) performed at Invitae indicates that this missense variant is expected to disrupt NF1 protein function. ClinVar contains an entry for this variant (Variation ID: 824956). This variant has not been reported in the literature in individuals affected with NF1-related conditions. This variant is not present in population databases (gnomAD no frequency). This sequence change replaces serine, which is neutral and polar, with arginine, which is basic and polar, at codon 1503 of the NF1 protein (p.Ser1503Arg).

Ambry Genetics
Classification: Uncertain significance for Cardiovascular phenotype; Hereditary cancer-predisposing syndrome. Last evaluated: 2019-07-19. Review status: criteria provided, single submitter. Criteria: Ambry Variant Classification Scheme 2023. Collection method: clinical testing. Allele origin: germline.
Comment: The p.S1503R variant (also known as c.4509C>A), located in coding exon 33 of the NF1 gene, results from a C to A substitution at nucleotide position 4509. The serine at codon 1503 is replaced by arginine, an amino acid with dissimilar properties. This amino acid position is highly conserved in available vertebrate species. In addition, this alteration is predicted to be deleterious by in silico analysis. Since supporting evidence is limited at this time, the clinical significance of this alteration remains unclear.

NM_001042492.3(NF1):c.4572C>A (p.Ser1524Arg)

Gene: NF1 (neurofibromin 1; plus strand). Cytogenetic location: 17q11.2.
Variant type: single nucleotide variant.
Coding change: c.4572C>A on transcript NM_001042492.3 (MANE Select); coding-DNA position 4572, C replaced by A.
Protein change: p.Ser1524Arg; replaces serine 1524 with arginine.
Molecular consequence: missense variant.
Genome position (GRCh38, 1-based): chr17:31,260,510, C>A. VCF-style: chr17-31260510-C-A. GRCh37 (hg19) VCF-style: chr17-29587528-C-A.
Other names: c.4509C>A, p.Ser1503Arg (NM_000267.4); short protein forms S1503R, S1524R.
Identifiers: ClinVar variation 824956 (VCV000824956.10), dbSNP rs1597747170, ClinGen allele CA398999959.